The following is an entry in ClinVar:

NM_004168.4(SDHA):c.808C>T (p.His270Tyr)

Gene: SDHA (succinate dehydrogenase complex flavoprotein subunit A; plus strand). Cytogenetic location: 5p15.33.
Variant type: single nucleotide variant.
Coding change: c.808C>T on transcript NM_004168.4 (MANE Select); coding-DNA position 808, C replaced by T.
Protein change: p.His270Tyr; replaces histidine 270 with tyrosine.
Molecular consequence: missense variant.
Genome position (GRCh38, 1-based): chr5:230,913, C>T. VCF-style: chr5-230913-C-T. GRCh37 (hg19) VCF-style: chr5-231028-C-T.
Other names: c.664C>T, p.His222Tyr (NM_001294332.2); c.808C>T, p.His270Tyr (NM_001330758.2); short protein forms H270Y, H222Y.
Identifiers: ClinVar variation 1761938 (VCV001761938.2), dbSNP rs2126568092, ClinGen allele CA359011637.
Genomic context (GRCh38, chr5:230,913, plus strand): 5'-TCACTGCTCTCTATTGTTTCCAGAGGCTACGGGCGCACCTACTTCAGCTGCACGTCTGCC[C>T]ACACCAGCACTGGCGACGGCACGGCCATGATCACCAGGGCAGGCCTTCCTTGCCAGGACC-3'
Protein context (NP_004159.2, residues 260-280): GRTYFSCTSA[His270Tyr]TSTGDGTAMI

ClinVar aggregate classification (germline): Uncertain significance (1 of 4 stars; one submission).

Conditions:
Hereditary cancer-predisposing syndrome. Also called: Neoplastic Syndromes, Hereditary; Tumor predisposition; Hereditary Cancer Syndrome; Hereditary neoplastic syndrome. Identifiers: Orphanet 140162, MedGen C0027672, MeSH D009386, MONDO:0015356.

Submission:

Ambry Genetics
Classification: Uncertain significance for Hereditary cancer-predisposing syndrome. Last evaluated: 2021-04-02. Review status: criteria provided, single submitter. Criteria: Ambry Variant Classification Scheme 2023. Collection method: clinical testing. Allele origin: germline.
Comment: The p.H270Y variant (also known as c.808C>T), located in coding exon 7 of the SDHA gene, results from a C to T substitution at nucleotide position 808. The histidine at codon 270 is replaced by tyrosine, an amino acid with similar properties. This amino acid position is highly conserved in available vertebrate species. In addition, the in silico prediction for this alteration is inconclusive. Since supporting evidence is limited at this time, the clinical significance of this alteration remains unclear.